The following is an entry in ClinVar:

NM_001042492.3(NF1):c.980T>G (p.Leu327Arg)

Gene: NF1 (neurofibromin 1; plus strand). Cytogenetic location: 17q11.2.
Variant type: single nucleotide variant.
Coding change: c.980T>G on transcript NM_001042492.3 (MANE Select); coding-DNA position 980, T replaced by G.
Protein change: p.Leu327Arg; replaces leucine 327 with arginine.
Molecular consequence: missense variant.
Genome position (GRCh38, 1-based): chr17:31,200,513, T>G. VCF-style: chr17-31200513-T-G. GRCh37 (hg19) VCF-style: chr17-29527531-T-G.
Other names: c.980T>G, p.Leu327Arg (NM_000267.4, NM_001128147.3); short protein forms L327R.
Identifiers: ClinVar variation 937848 (VCV000937848.7), dbSNP rs201624827, ClinGen allele CA398996074.
Genomic context (GRCh38, chr17:31,200,513, plus strand): 5'-TTGCTGGCCATGGAGGAAGTAGGCAGCTGACAGAAAGTGCTGCAATTGCCTGTGTCAAAC[T>G]GTGTAAAGCAAGTACTTACATCAATTGGGAAGATAACTCTGTCATTTTCCTACTTGTTCA-3'
Protein context (NP_001035957.1, residues 317-337): TESAAIACVK[Leu327Arg]CKASTYINWE

ClinVar aggregate classification (germline): Conflicting classifications of pathogenicity. Review status: criteria provided, conflicting classifications (1 of 4 stars). 5 submissions from 5 submitters: Pathogenic (1); Likely pathogenic (3); Uncertain significance (1). Last evaluated 2025-11-30.

Conditions:
NF1-related disorder. Also called: NF1-related condition. Identifiers: MedGen CN379171.
Neurofibromatosis, type 1 (NF1). Also called: Neurofibromatosis, type I; VON RECKLINGHAUSEN DISEASE; Peripheral type neurofibromatosis; NEUROFIBROMATOSIS, TYPE I, SOMATIC. Identifiers: Orphanet 636, MedGen C0027831, MONDO:0018975, OMIM 162200. Disease mechanism: loss of function.

Submissions (5):

Labcorp Genetics (formerly Invitae), Labcorp
Classification: Pathogenic for Neurofibromatosis, type 1. Last evaluated: 2025-11-30. Review status: criteria provided, single submitter. Criteria: Invitae Variant Classification Sherloc (09022015). Collection method: clinical testing. Allele origin: germline.
Comment: This sequence change replaces leucine, which is neutral and non-polar, with arginine, which is basic and polar, at codon 327 of the NF1 protein (p.Leu327Arg). This variant is not present in population databases (gnomAD no frequency). This missense change has been observed in individual(s) with clinical features of neurofibromatosis type I and/or clinical features of NF1-related conditions (PMID: 21520333; internal data). In at least one individual the variant was observed to be de novo. Invitae Evidence Modeling of clinical and family history, age, sex, and reported ancestry of multiple individuals with this NF1 variant has been performed. This variant is expected to be pathogenic with a positive predictive value of at least 99%. This is a validated machine learning model that incorporates the clinical features of 1,785,918 individuals referred to our laboratory for NF1 testing. ClinVar contains an entry for this variant (Variation ID: 937848). Invitae Evidence Modeling of protein sequence and biophysical properties (such as structural, functional, and spatial information, amino acid conservation, physicochemical variation, residue mobility, and thermodynamic stability) indicates that this missense variant is expected to disrupt NF1 protein function with a positive predictive value of 95%. For these reasons, this variant has been classified as Pathogenic.

GeneDx
Classification: Likely pathogenic. Last evaluated: 2025-06-05. Review status: criteria provided, single submitter. Criteria: GeneDx Variant Classification Process June 2021. Collection method: clinical testing. Allele origin: germline. Affected: yes.
Comment: In silico analysis supports that this missense variant has a deleterious effect on protein structure/function; Not observed at significant frequency in large population cohorts (gnomAD); This variant is associated with the following publications: (PMID: 23656349, Yasa2019[CaseReport])

Molecular Pathology, Peter Maccallum Cancer Centre
Classification: Likely pathogenic for Neurofibromatosis, type 1. Last evaluated: 2025-03-06. Review status: criteria provided, single submitter. Criteria: ACMG Guidelines, 2015. Collection method: clinical testing. Allele origin: germline. Inheritance: Autosomal dominant inheritance.

Blueprint Genetics
Classification: Likely pathogenic for NF1-related disorders. Last evaluated: 2024-11-15. Review status: criteria provided, single submitter. Criteria: ACMG Guidelines, 2015. Collection method: clinical testing. Allele origin: germline. Affected: yes. Observed: 1 variant allele.

Institute for Genomic Medicine (IGM) Clinical Laboratory, Nationwide Children's Hospital
Classification: Uncertain significance for Neurofibromatosis, type 1. Last evaluated: 2022-11-28. Review status: criteria provided, single submitter. Criteria: ACMG Guidelines, 2015. Collection method: clinical testing. Allele origin: germline.
Comment: This variant is absent from or present at an exceedingly low frequency in gnomAD, a large-scale control population database (ACMG/AMP: PM2). This variant occurs in a gene with a low rate of benign missense variation, in which missense alterations are a common mechanism of disease (ACMG/AMP: PP2). This variant is in a gene that is highly specific for a disease with a single genetic etiology (ACMG/AMP: PP4).

Literature cited by the submitters: PubMed 21520333 (cited by Labcorp Genetics (formerly Invitae), Labcorp).